The following is an entry in ClinVar:

ClinVar aggregate classification (germline): Uncertain significance (1 of 4 stars; one submission).

Submission:

Labcorp Genetics (formerly Invitae), Labcorp
Classification: Uncertain significance. Last evaluated: 2021-02-05. Review status: criteria provided, single submitter. Criteria: Invitae Variant Classification Sherloc (09022015). Collection method: clinical testing. Allele origin: germline.
Comment: This variant is not present in population databases (ExAC no frequency). This sequence change replaces cysteine with arginine at codon 541 of the WFS1 protein (p.Cys541Arg). The cysteine residue is highly conserved and there is a large physicochemical difference between cysteine and arginine. This variant has not been reported in the literature in individuals with WFS1-related conditions. Algorithms developed to predict the effect of missense changes on protein structure and function are either unavailable or do not agree on the potential impact of this missense change (SIFT: "Deleterious"; PolyPhen-2: "Probably Damaging"; Align-GVGD: "Class C0"). In summary, the available evidence is currently insufficient to determine the role of this variant in disease. Therefore, it has been classified as a Variant of Uncertain Significance.

NM_006005.3(WFS1):c.1621T>C (p.Cys541Arg)

Gene: WFS1 (wolframin ER transmembrane glycoprotein; plus strand). Cytogenetic location: 4p16.1.
Variant type: single nucleotide variant.
Coding change: c.1621T>C on transcript NM_006005.3 (MANE Select); coding-DNA position 1621, T replaced by C.
Protein change: p.Cys541Arg; replaces cysteine 541 with arginine.
Molecular consequence: missense variant.
Genome position (GRCh38, 1-based): chr4:6,301,416, T>C. VCF-style: chr4-6301416-T-C. GRCh37 (hg19) VCF-style: chr4-6303143-T-C.
Other names: c.1621T>C, p.Cys541Arg (NM_001145853.1); short protein forms C541R.
Identifiers: ClinVar variation 1351053 (VCV001351053.8), dbSNP rs2109126208, ClinGen allele CA356176309.
Genomic context (GRCh38, chr4:6,301,416, plus strand): 5'-CTGAGGAATTTCAAGGGCACCTACTGCTACCTTGTGCCCTACCTGGTGTGCTTCATGTGG[T>C]GTGAGCTCTCCGTGGTCATCCTGCTGGAGTCCACCGGCCTGGGGCTGCTCCGCGCCTCCA-3'
Protein context (NP_005996.2, residues 531-551): LVPYLVCFMW[Cys541Arg]ELSVVILLES